The following is an entry in ClinVar:

NM_001497.4(B4GALT1):c.960-19_960-18del

Gene: B4GALT1 (beta-1,4-galactosyltransferase 1; minus strand). Cytogenetic location: 9p21.1.
Variant type: Deletion.
Coding change: c.960-19_960-18del on transcript NM_001497.4 (MANE Select); 19 bases into the intron before coding-DNA position 960 through 18 bases into the intron before coding-DNA position 960, 2 bases deleted (TT; older notation c.960-19_960-18delTT).
Molecular consequence: intron variant.
Genome position (GRCh38, 1-based): chr9:33,113,896-33,113,897, AA deleted on the plus strand (TT on the coding strand, the reverse complement: B4GALT1 is on the minus strand); deleting any 2 consecutive bases within chr9:33,113,896-33,113,898 gives the same sequence; the c. name uses the placement nearest the transcript's 3' end. VCF-style (leftmost placement, unchanged base first): chr9-33113895-GAA-G. GRCh37 (hg19) VCF-style: chr9-33113893-GAA-G.
Other names: c.649-9116_649-9115del (NM_001378497.1); c.837-19_837-18del (NM_001378496.1); c.921-19_921-18del (NM_001378495.1).
Identifiers: ClinVar variation 682382 (VCV000682382.5), dbSNP rs1262850610, ClinGen allele CA587170459.

ClinVar aggregate classification (germline): Likely benign. Review status: criteria provided, multiple submitters, no conflicts (2 of 4 stars). 2 submissions from 2 submitters: Likely benign (2). Last evaluated 2022-06-01.

Submissions (2):

Labcorp Genetics (formerly Invitae), Labcorp
Classification: Likely benign. Last evaluated: 2022-06-01. Review status: criteria provided, single submitter. Criteria: Invitae Variant Classification Sherloc (09022015). Collection method: clinical testing. Allele origin: germline.

GeneDx
Classification: Likely benign. Last evaluated: 2018-05-15. Review status: criteria provided, single submitter. Criteria: GeneDx Variant Classification (06012015). Collection method: clinical testing. Allele origin: germline. Affected: yes.
Comment: This variant is considered likely benign or benign based on one or more of the following criteria: it is a conservative change, it occurs at a poorly conserved position in the protein, it is predicted to be benign by multiple in silico algorithms, and/or has population frequency not consistent with disease.